The following is an entry in ClinVar:

ClinVar aggregate classification (germline): Uncertain significance (1 of 4 stars; one submission).

Conditions:
Inborn genetic diseases. Identifiers: MedGen C0950123, MeSH D030342.

Submission:

Ambry Genetics
Classification: Uncertain significance for Inborn genetic diseases. Last evaluated: 2018-03-10. Review status: criteria provided, single submitter. Criteria: Ambry Variant Classification Scheme 2023. Collection method: clinical testing. Allele origin: germline.
Comment: The c.3864+5G>A intronic variant results from a G to A substitution 5 nucleotides after coding exon 29 in the SPTAN1 gene. This nucleotide position is highly conserved in available vertebrate species. Using the BDGP and ESEfinder splice site prediction tools, this alteration is predicted to weaken the efficiency of the native splice donor site; however, direct evidence is unavailable. Since supporting evidence is limited at this time, the clinical significance of this alteration remains unclear.

NM_001130438.3(SPTAN1):c.3864+5G>A

Gene: SPTAN1 (spectrin alpha, non-erythrocytic 1; plus strand). Cytogenetic location: 9q34.11.
Variant type: single nucleotide variant.
Coding change: c.3864+5G>A on transcript NM_001130438.3 (MANE Select); 5 bases into the intron after coding-DNA position 3864, G replaced by A.
Molecular consequence: intron variant.
Genome position (GRCh38, 1-based): chr9:128,605,183, G>A. VCF-style: chr9-128605183-G-A. GRCh37 (hg19) VCF-style: chr9-131367462-G-A.
Other names: c.3900+5G>A (NM_001375318.1, NM_001375312.2); c.3864+5G>A (NM_001375311.2, NM_001375310.1, NM_001363759.2 and 2 more transcripts); c.3804+5G>A (NM_001375314.2, NM_001363765.2, NM_001195532.2).
Identifiers: ClinVar variation 1735629 (VCV001735629.2), dbSNP rs1855665122, ClinGen allele CA2580079855.